The following is an entry in ClinVar:

ClinVar aggregate classification (germline): Pathogenic/Likely pathogenic. Review status: criteria provided, multiple submitters, no conflicts (2 of 4 stars). 3 submissions from 3 submitters: Pathogenic (1); Likely pathogenic (2). Last evaluated 2025-10-04.

Conditions:
Hereditary hemochromatosis (HFE). Identifiers: MedGen C0392514, MONDO:0006507. Disease mechanism: loss of function.
Hemochromatosis type 3 (HFE3). Also called: HEMOCHROMATOSIS DUE TO DEFECT IN TRANSFERRIN RECEPTOR 2; Hereditary hemochromatosis type 3; TFR2-Related Hemochromatosis. Identifiers: Orphanet 225123, MedGen C1858664, MONDO:0011417, OMIM 604250.

Allele frequency attached by ClinVar (database versions not stated): gnomAD exomes below 0.00001; TOPMed below 0.00001; ExAC 0.00001.
gnomAD v4.1: 1 of 1,613,706 alleles (0.000062%); highest among the groups gnomAD compares: Admixed American, 0.0017%; no homozygotes.

Submissions (3):

Natera, Inc.
Classification: Likely pathogenic for Hereditary hemochromatosis type 3. Last evaluated: 2025-10-04. Review status: criteria provided, single submitter. Criteria: Natera Variant Classification Schema (03/2026). Collection method: clinical testing. Allele origin: germline.
Comment: The c.661G>T variant in TFR2 is a nonsense variant predicted to introduce a stop codon at amino acid 221. This variant is expected to result in nonsense mediated decay, truncation, or a dysfunctional protein product. This variant is rare in the general population with a frequency below the threshold expected for the associated phenotype(s). Given the available evidence, this variant is classified as Likely Pathogenic.

Labcorp Genetics (formerly Invitae), Labcorp
Classification: Pathogenic for Hereditary hemochromatosis. Last evaluated: 2023-08-23. Review status: criteria provided, single submitter. Criteria: Invitae Variant Classification Sherloc (09022015). Collection method: clinical testing. Allele origin: germline.
Comment: For these reasons, this variant has been classified as Pathogenic. ClinVar contains an entry for this variant (Variation ID: 1076276). This variant has not been reported in the literature in individuals affected with TFR2-related conditions. This variant is present in population databases (rs763292953, gnomAD 0.003%). This sequence change creates a premature translational stop signal (p.Gly221*) in the TFR2 gene. It is expected to result in an absent or disrupted protein product. Loss-of-function variants in TFR2 are known to be pathogenic (PMID: 23600741, 26029709).

Baylor Genetics
Classification: Likely pathogenic for Hemochromatosis type 3. Last evaluated: 2023-05-17. Review status: criteria provided, single submitter. Criteria: ACMG Guidelines, 2015. Collection method: clinical testing. Allele origin: unknown.

Literature cited by the submitters: PubMed 23600741 (cited by Labcorp Genetics (formerly Invitae), Labcorp); PubMed 26029709 (cited by Labcorp Genetics (formerly Invitae), Labcorp).

NM_003227.4(TFR2):c.661G>T (p.Gly221Ter)

Gene: TFR2 (transferrin receptor 2; minus strand). Cytogenetic location: 7q22.1.
Variant type: single nucleotide variant.
Coding change: c.661G>T on transcript NM_003227.4 (MANE Select); coding-DNA position 661, G replaced by T.
Protein change: p.Gly221Ter; replaces glycine 221 with a stop codon.
Molecular consequence: nonsense.
Genome position (GRCh38, 1-based): chr7:100,633,294, C>A on the plus strand (G>T on the coding strand, the complement: TFR2 is on the minus strand). VCF-style: chr7-100633294-C-A. GRCh37 (hg19) VCF-style: chr7-100230917-C-A.
Other names: c.148G>T, p.Gly50Ter (NM_001206855.3); c.661G>T (NM_003227.3); short protein forms G221*, G50*.
Identifiers: ClinVar variation 1076276 (VCV001076276.9), dbSNP rs763292953, ClinGen allele CA4386760.
Genomic context (GRCh38, chr7:100,633,294, plus strand): 5'-CGTTGCCGATGGCGCTGTAGGGGCAGTAGACGTCAGGGTCCTCCAGCGGCAGCTGCTCTC[C>A]GACCTTCCCGGCCTCATCGACCCAGTGCAGGGTGTTGGGGTGAGCCCTGGGGAGCGGGGC-3'